The following is an entry in ClinVar:

NM_000094.4(COL7A1):c.316G>T (p.Ala106Ser)

Gene: COL7A1 (collagen type VII alpha 1 chain; minus strand). Cytogenetic location: 3p21.31.
Variant type: single nucleotide variant.
Coding change: c.316G>T on transcript NM_000094.4 (MANE Select); coding-DNA position 316, G replaced by T.
Protein change: p.Ala106Ser; replaces alanine 106 with serine.
Molecular consequence: missense variant.
Genome position (GRCh38, 1-based): chr3:48,593,647, C>A on the plus strand (G>T on the coding strand, the complement: COL7A1 is on the minus strand). VCF-style: chr3-48593647-C-A. GRCh37 (hg19) VCF-style: chr3-48631080-C-A.
Other names: short protein forms A106S.
Identifiers: ClinVar variation 2190503 (VCV002190503.3), dbSNP rs752837490, ClinGen allele CA352748710.
Genomic context (GRCh38, chr3:48,593,647, plus strand): 5'-CATGGAGAATTGCAGCCCCTGTGCGAGTGTTGCCCCCCTTGTAGCTAAGCTCACGGATGG[C>A]GCGGATCACATCACCCCCAGAGCCAAGTGCATCCAGGCCGAACTCTGTCCTGTTGGAGGG-3'
Protein context (NP_000085.1, residues 96-116): ALGSGGDVIR[Ala106Ser]IRELSYKGGN

ClinVar aggregate classification (germline): Uncertain significance (1 of 4 stars; one submission).

Submission:

Labcorp Genetics (formerly Invitae), Labcorp
Classification: Uncertain significance. Last evaluated: 2024-02-01. Review status: criteria provided, single submitter. Criteria: Invitae Variant Classification Sherloc (09022015). Collection method: clinical testing. Allele origin: germline.
Comment: This sequence change replaces alanine, which is neutral and non-polar, with serine, which is neutral and polar, at codon 106 of the COL7A1 protein (p.Ala106Ser). This variant is not present in population databases (gnomAD no frequency). This variant has not been reported in the literature in individuals affected with COL7A1-related conditions. ClinVar contains an entry for this variant (Variation ID: 2190503). Advanced modeling of protein sequence and biophysical properties (such as structural, functional, and spatial information, amino acid conservation, physicochemical variation, residue mobility, and thermodynamic stability) performed at Invitae indicates that this missense variant is not expected to disrupt COL7A1 protein function with a negative predictive value of 95%. In summary, the available evidence is currently insufficient to determine the role of this variant in disease. Therefore, it has been classified as a Variant of Uncertain Significance.